The following is an entry in ClinVar:

ClinVar aggregate classification (germline): Uncertain significance. Review status: criteria provided, multiple submitters, no conflicts (2 of 4 stars). 5 submissions from 5 submitters: Uncertain significance (5). Last evaluated 2025-11-11.

Conditions:
TTN-related disorder. Also called: TTN-related condition; TTN-related disease; TTN-related disorders.
Dilated cardiomyopathy 1G (CMD1G). Identifiers: Orphanet 154, MedGen C1858763, MONDO:0011400, OMIM 604145.
Autosomal recessive limb-girdle muscular dystrophy type 2J (LGMDR10). Also called: Limb-girdle muscular dystrophy, type 2J; MUSCULAR DYSTROPHY, LIMB-GIRDLE, AUTOSOMAL RECESSIVE 10. Identifiers: Orphanet 140922, MedGen C1837342, MONDO:0012127, OMIM 608807.
Tibial muscular dystrophy (TMD). Also called: Udd Distal Myopathy – Tibial Muscular Dystrophy; UDD MYOPATHY; Tibial muscular dystrophy, tardive. Identifiers: Orphanet 609, MedGen C1838244, MONDO:0010870, OMIM 600334.
Myopathy, myofibrillar, 9, with early respiratory failure (MFM9). Also called: Hereditary myopathy with early respiratory failure; EDSTROM MYOPATHY; MYOPATHY, PROXIMAL, WITH EARLY RESPIRATORY MUSCLE INVOLVEMENT; Myopathy, distal, with early respiratory failure, autosomal dominant. Identifiers: Orphanet 178464, Orphanet 34521, MedGen C1863599, MONDO:0011362, OMIM 603689.
Hypertrophic cardiomyopathy 9. Also called: Familial hypertrophic cardiomyopathy 9. Identifiers: MedGen C1861065, MONDO:0013412, OMIM 613765.
Early-onset myopathy with fatal cardiomyopathy (CMYO5). Also called: CONGENITAL MYOPATHY 5 WITH CARDIOMYOPATHY; Salih Myopathy. Identifiers: Orphanet 289377, MedGen C2673677, MONDO:0012714, OMIM 611705. Disease mechanism: loss of function.

Allele frequency attached by ClinVar (database versions not stated): gnomAD 0.00001; gnomAD exomes 0.00001 and 0.00002; TOPMed 0.00002.
gnomAD v4.1: 12 of 1,613,454 alleles (0.00074%); highest among the groups gnomAD compares: Admixed American, 0.0067%; no homozygotes.

Submissions (5):

PreventionGenetics, part of Exact Sciences
Classification: Uncertain significance for TTN-related condition. Last evaluated: 2025-11-11. Review status: criteria provided, single submitter. Criteria: ACMG Guidelines, 2015. Collection method: clinical testing. Allele origin: germline.
Comment: The TTN c.81511T>C variant is predicted to result in the amino acid substitution p.Cys27171Arg. To our knowledge, this variant has not been reported in the literature. This variant is reported in 0.0058% of alleles in individuals of Latino descent in gnomAD. At this time, the clinical significance of this variant is uncertain due to the absence of conclusive functional and genetic evidence.

Fulgent Genetics
Classification: Uncertain significance for Tibial muscular dystrophy; Myopathy, myofibrillar, 9, with early respiratory failure; Dilated cardiomyopathy 1G; Autosomal recessive limb-girdle muscular dystrophy type 2J; Early-onset myopathy with fatal cardiomyopathy; Hypertrophic cardiomyopathy 9. Last evaluated: 2021-11-09. Review status: criteria provided, single submitter. Criteria: ACMG Guidelines, 2015. Collection method: clinical testing. Allele origin: unknown.

Revvity Omics, Revvity
Classification: Uncertain significance. Last evaluated: 2021-09-11. Review status: criteria provided, single submitter. Criteria: ACMG Guidelines, 2015. Collection method: clinical testing. Allele origin: germline.

Labcorp Genetics (formerly Invitae), Labcorp
Classification: Uncertain significance for Dilated cardiomyopathy 1G; Autosomal recessive limb-girdle muscular dystrophy type 2J. Last evaluated: 2017-01-09. Review status: criteria provided, single submitter. Criteria: Invitae Variant Classification Sherloc (09022015). Collection method: clinical testing. Allele origin: germline.

Laboratory for Molecular Medicine, Mass General Brigham Personalized Medicine
Classification: Uncertain significance. Last evaluated: 2013-07-31. Review status: criteria provided, single submitter. Criteria: LMM Criteria. Collection method: clinical testing. Allele origin: germline. Observed: 1 variant allele.
Comment: The Cys24603Arg variant in TTN has not been reported in individuals with cardiom yopathy or in large population studies. Computational analyses (biochemical ami no acid properties, conservation, AlignGVGD, PolyPhen2, and SIFT) do not provide strong support for or against an impact to the protein. Additional information is needed to fully assess the clinical significance of the Cys24603Arg variant.

NM_001267550.2(TTN):c.81511T>C (p.Cys27171Arg)

Genes: TTN (titin; minus strand), TTN-AS1 (TTN antisense RNA 1; plus strand). Cytogenetic location: 2q31.2.
Variant type: single nucleotide variant.
Coding change: c.81511T>C on transcript NM_001267550.2 (MANE Select); coding-DNA position 81511, T replaced by C.
Protein change: p.Cys27171Arg; replaces cysteine 27171 with arginine.
Molecular consequence: missense variant.
Genome position (GRCh38, 1-based): chr2:178,564,621, A>G on the plus strand (T>C on the coding strand, the complement: TTN is on the minus strand). VCF-style: chr2-178564621-A-G. GRCh37 (hg19) VCF-style: chr2-179429348-A-G.
Other names: c.73807T>C, p.Cys24603Arg (NM_133378.4); c.76588T>C, p.Cys25530Arg (NM_001256850.1); c.54316T>C, p.Cys18106Arg (NM_003319.4); c.54691T>C, p.Cys18231Arg (NM_133432.3); c.54892T>C, p.Cys18298Arg (NM_133437.4); short protein forms C24603R, C27171R, C18106R, C18231R, C25530R, C18298R.
Identifiers: ClinVar variation 179161 (VCV000179161.12), dbSNP rs727504678, ClinGen allele CA183843.